The following is an entry in ClinVar:

NM_144573.4(NEXN):c.363G>A (p.Thr121=)

Genes: NEXN (nexilin F-actin binding protein; plus strand), LOC126805765 (BRD4-independent group 4 enhancer GRCh37_chr1:78383688-78384887; plus strand). Cytogenetic location: 1p31.1.
Variant type: single nucleotide variant.
Coding change: c.363G>A on transcript NM_144573.4 (MANE Select); coding-DNA position 363, G replaced by A.
Protein change: p.Thr121=; no amino-acid change (threonine 121 retained).
Molecular consequence: synonymous variant.
Genome position (GRCh38, 1-based): chr1:77,918,189, G>A. VCF-style: chr1-77918189-G-A. GRCh37 (hg19) VCF-style: chr1-78383874-G-A.
Other names: p.T121T:ACG>ACA; p.Thr121=; c.171G>A, p.Thr57= (NM_001172309.2).
Identifiers: ClinVar variation 47906 (VCV000047906.41), dbSNP rs35117963, ClinGen allele CA142155.

ClinVar aggregate classification (germline): Benign. Review status: criteria provided, multiple submitters, no conflicts (2 of 4 stars). 13 submissions from 13 submitters: Benign (9). 4 of the submissions do not count toward it. Last evaluated 2026-01-31.

Conditions:
Cardiovascular phenotype. Identifiers: MedGen CN230736.
Dilated cardiomyopathy 1CC (CMD1CC). Identifiers: Orphanet 154, MedGen C2751084, MONDO:0013147, OMIM 613122.
Hypertrophic cardiomyopathy 20. Identifiers: MedGen C3151267, MONDO:0013477, OMIM 613876.
Cardiomyopathy (CMYO). Also called: Cardiomyopathies. Identifiers: Orphanet 167848, MedGen C0878544, MONDO:0004994, HP:0001638. Inheritance: Various modes of inheritance.

Allele frequency attached by ClinVar (database versions not stated): gnomAD exomes 0.00113 and 0.00295; ExAC 0.00373; gnomAD 0.01181 and 0.01268; 1000 Genomes Project 0.01278; ESP Exome Variant Server 0.01339; TOPMed 0.01342; 1000 Genomes Project 30x 0.01499.
gnomAD v4.1: 3,472 of 1,613,924 alleles (0.22%); highest among the groups gnomAD compares: African/African-American, 4.2%; 75 homozygotes.

Submissions (13):

Labcorp Genetics (formerly Invitae), Labcorp
Classification: Benign for Dilated cardiomyopathy 1CC; Hypertrophic cardiomyopathy 20. Last evaluated: 2026-01-31. Review status: criteria provided, single submitter. Criteria: Invitae Variant Classification Sherloc (09022015). Collection method: clinical testing. Allele origin: germline.

Molecular Diagnostic Laboratory for Inherited Cardiovascular Disease, Montreal Heart Institute
Classification: Benign. Last evaluated: 2025-04-09. Review status: criteria provided, single submitter. Criteria: ACMG Guidelines, 2015. Collection method: clinical testing. Allele origin: germline. Affected: no.

ARUP Laboratories, Molecular Genetics and Genomics, ARUP Laboratories
Classification: Benign. Last evaluated: 2025-04-08. Review status: criteria provided, single submitter. Criteria: ARUP Molecular Germline Variant Investigation Process 2024. Collection method: clinical testing. Allele origin: germline.

CHEO Genetics Diagnostic Laboratory, Children's Hospital of Eastern Ontario
Classification: Benign for Cardiomyopathy. Last evaluated: 2016-06-03. Review status: criteria provided, single submitter. Criteria: ACMG Guidelines, 2015. Collection method: clinical testing. Allele origin: germline. Study: Canadian Open Genetics Repository.

Mayo Clinic Laboratories, Mayo Clinic
Classification: Benign. Last evaluated: 2016-04-07. Review status: criteria provided, single submitter. Criteria: ACMG Guidelines, 2015. Collection method: clinical testing. Allele origin: germline. Observed: 22 variant alleles.

Ambry Genetics
Classification: Benign for Cardiovascular phenotype. Last evaluated: 2015-07-08. Review status: criteria provided, single submitter. Criteria: Ambry Variant Classification Scheme 2023. Collection method: clinical testing. Allele origin: germline.

GeneDx
Classification: Benign. Last evaluated: 2013-07-08. Review status: criteria provided, single submitter. Criteria: GeneDx Variant Classification (06012015). Collection method: clinical testing. Allele origin: germline. Affected: yes.
Comment: This variant is considered likely benign or benign based on one or more of the following criteria: it is a conservative change, it occurs at a poorly conserved position in the protein, it is predicted to be benign by multiple in silico algorithms, and/or has population frequency not consistent with disease.

Laboratory for Molecular Medicine, Mass General Brigham Personalized Medicine
Classification: Benign. Last evaluated: 2012-05-22. Review status: criteria provided, single submitter. Criteria: LMM Criteria. Collection method: clinical testing. Allele origin: germline. Observed: 34 variant alleles.
Comment: 3.8% (119/3092) Afr Amer chrom (ESP)

Breakthrough Genomics
Classification: Benign. Review status: criteria provided, single submitter. Criteria: ACMG Guidelines, 2015. Collection method: not provided. Allele origin: germline. Inheritance: Autosomal dominant inheritance. Affected: yes.

Clinical Genetics DNA and cytogenetics Diagnostics Lab, Erasmus MC, Erasmus Medical Center
Classification: Benign. Review status: no assertion criteria provided. Collection method: clinical testing. Allele origin: germline. Affected: yes. Study: VKGL Data-share Consensus. Not counted in ClinVar's aggregate classification.

Clinical Genetics, Academic Medical Center
Classification: Benign. Review status: no assertion criteria provided. Collection method: clinical testing. Allele origin: germline. Affected: yes. Study: VKGL Data-share Consensus. Not counted in ClinVar's aggregate classification.

Genome Diagnostics Laboratory, University Medical Center Utrecht
Classification: Benign. Review status: no assertion criteria provided. Collection method: clinical testing. Allele origin: germline. Affected: yes. Study: VKGL Data-share Consensus. Not counted in ClinVar's aggregate classification.

Joint Genome Diagnostic Labs from Nijmegen and Maastricht, Radboudumc and MUMC+
Classification: Benign. Review status: no assertion criteria provided. Collection method: clinical testing. Allele origin: germline. Affected: yes. Study: VKGL Data-share Consensus. Not counted in ClinVar's aggregate classification.